The following is an entry in ClinVar:

ClinVar aggregate classification (germline): Uncertain significance (1 of 4 stars; one submission).

gnomAD v4.1: 4 of 1,613,990 alleles (0.00025%); highest among the groups gnomAD compares: African/African-American, 0.0013%; no homozygotes.

Submission:

Labcorp Genetics (formerly Invitae), Labcorp
Classification: Uncertain significance. Last evaluated: 2024-03-12. Review status: criteria provided, single submitter. Criteria: Invitae Variant Classification Sherloc (09022015). Collection method: clinical testing. Allele origin: germline.
Comment: This sequence change replaces alanine, which is neutral and non-polar, with threonine, which is neutral and polar, at codon 1163 of the FOCAD protein (p.Ala1163Thr). This variant is not present in population databases (gnomAD no frequency). This variant has not been reported in the literature in individuals affected with FOCAD-related conditions. In summary, the available evidence is currently insufficient to determine the role of this variant in disease. Therefore, it has been classified as a Variant of Uncertain Significance.

NM_001375567.1(FOCAD):c.3487G>A (p.Ala1163Thr)

Gene: FOCAD (focadhesin; plus strand). Cytogenetic location: 9p21.3.
Variant type: single nucleotide variant.
Coding change: c.3487G>A on transcript NM_001375567.1 (MANE Select); coding-DNA position 3487, G replaced by A.
Protein change: p.Ala1163Thr; replaces alanine 1163 with threonine.
Molecular consequence: missense variant.
Genome position (GRCh38, 1-based): chr9:20,944,706, G>A. VCF-style: chr9-20944706-G-A. GRCh37 (hg19) VCF-style: chr9-20944705-G-A.
Other names: c.3382G>A, p.Ala1128Thr (NM_001375568.1, NM_001375570.1); c.3487G>A, p.Ala1163Thr (NM_017794.5); short protein forms A1128T, A1163T.
Identifiers: ClinVar variation 3625530 (VCV003625530.2).